The following is an entry in ClinVar:

NM_000113.3(TOR1A):c.331G>A (p.Val111Ile)

Gene: TOR1A (torsin family 1 member A; minus strand). Cytogenetic location: 9q34.11.
Variant type: single nucleotide variant.
Coding change: c.331G>A on transcript NM_000113.3 (MANE Select); coding-DNA position 331, G replaced by A.
Protein change: p.Val111Ile; replaces valine 111 with isoleucine.
Molecular consequence: missense variant.
Genome position (GRCh38, 1-based): chr9:129,822,694, C>T on the plus strand (G>A on the coding strand, the complement: TOR1A is on the minus strand). VCF-style: chr9-129822694-C-T. GRCh37 (hg19) VCF-style: chr9-132584973-C-T.
Other names: short protein forms V111I.
Identifiers: ClinVar variation 2547816 (VCV002547816.5), dbSNP rs755593280, ClinGen allele CA5278704.

ClinVar aggregate classification (germline): Uncertain significance. Review status: criteria provided, multiple submitters, no conflicts (2 of 4 stars). 3 submissions from 3 submitters: Uncertain significance (3). Last evaluated 2025-05-28.

Conditions:
Inborn genetic diseases. Identifiers: MedGen C0950123, MeSH D030342.
Dystonic disorder. Also called: Dystonia. Identifiers: MedGen C0013421, MONDO:0003441, HP:0001332.

Submissions (3):

GeneDx
Classification: Uncertain significance. Last evaluated: 2025-05-28. Review status: criteria provided, single submitter. Criteria: GeneDx Variant Classification Process June 2021. Collection method: clinical testing. Allele origin: germline. Affected: yes.
Comment: In silico analysis suggests that this missense variant does not alter protein structure/function; Has not been previously published as pathogenic or benign to our knowledge

Labcorp Genetics (formerly Invitae), Labcorp
Classification: Uncertain significance for Dystonic disorder. Last evaluated: 2024-12-10. Review status: criteria provided, single submitter. Criteria: Invitae Variant Classification Sherloc (09022015). Collection method: clinical testing. Allele origin: germline.
Comment: This sequence change replaces valine, which is neutral and non-polar, with isoleucine, which is neutral and non-polar, at codon 111 of the TOR1A protein (p.Val111Ile). This variant is present in population databases (rs755593280, gnomAD 0.007%). This variant has not been reported in the literature in individuals affected with TOR1A-related conditions. ClinVar contains an entry for this variant (Variation ID: 2547816). Invitae Evidence Modeling of protein sequence and biophysical properties (such as structural, functional, and spatial information, amino acid conservation, physicochemical variation, residue mobility, and thermodynamic stability) indicates that this missense variant is not expected to disrupt TOR1A protein function with a negative predictive value of 80%. In summary, the available evidence is currently insufficient to determine the role of this variant in disease. Therefore, it has been classified as a Variant of Uncertain Significance.

Ambry Genetics
Classification: Uncertain significance for Inborn genetic diseases. Last evaluated: 2023-05-17. Review status: criteria provided, single submitter. Criteria: Ambry Variant Classification Scheme 2023. Collection method: clinical testing. Allele origin: germline.